The following is an entry in ClinVar:

ClinVar aggregate classification (germline): Uncertain significance (1 of 4 stars; one submission).

Submission:

Mayo Clinic Laboratories, Mayo Clinic
Classification: Uncertain significance. Last evaluated: 2025-02-26. Review status: criteria provided, single submitter. Criteria: ACMG Guidelines, 2015. Collection method: clinical testing. Allele origin: germline. Observed: 1 variant allele.
Comment: BP4

Literature cited by the submitters: PubMed 33057194; PubMed 35982159.

NM_001257360.1:c.1675G>A

Gene: AMPD2 (adenosine monophosphate deaminase 2; plus strand).
Variant type: single nucleotide variant.
Other names: p.Val559Ile; c.1675G>A (NM_001257360.1).
Identifiers: ClinVar variation 4541350 (VCV004541350.1).